The following is an entry in ClinVar:

ClinVar aggregate classification (germline): Uncertain significance. Review status: criteria provided, multiple submitters, no conflicts (2 of 4 stars). 2 submissions from 2 submitters: Uncertain significance (2). Last evaluated 2024-09-04.

Conditions:
Hereditary cancer-predisposing syndrome. Also called: Hereditary Cancer Syndrome; Neoplastic Syndromes, Hereditary; Tumor predisposition; Hereditary neoplastic syndrome. Identifiers: Orphanet 140162, MedGen C0027672, MeSH D009386, MONDO:0015356.

gnomAD v4.1: 1 of 1,613,902 alleles (0.000062%); highest among the groups gnomAD compares: South Asian, 0.0011%; no homozygotes.

Submissions (2):

Labcorp Genetics (formerly Invitae), Labcorp
Classification: Uncertain significance. Last evaluated: 2024-09-04. Review status: criteria provided, single submitter. Criteria: Invitae Variant Classification Sherloc (09022015). Collection method: clinical testing. Allele origin: germline.
Comment: This sequence change replaces cysteine, which is neutral and slightly polar, with tyrosine, which is neutral and polar, at codon 166 of the MSH3 protein (p.Cys166Tyr). This variant is present in population databases (no rsID available, gnomAD 0.003%). This variant has not been reported in the literature in individuals affected with MSH3-related conditions. ClinVar contains an entry for this variant (Variation ID: 1744523). An algorithm developed to predict the effect of missense changes on protein structure and function (PolyPhen-2) suggests that this variant is likely to be tolerated. In summary, the available evidence is currently insufficient to determine the role of this variant in disease. Therefore, it has been classified as a Variant of Uncertain Significance.

Ambry Genetics
Classification: Uncertain significance for Hereditary cancer-predisposing syndrome. Last evaluated: 2022-01-27. Review status: criteria provided, single submitter. Criteria: Ambry Variant Classification Scheme 2023. Collection method: clinical testing. Allele origin: germline.
Comment: The p.C166Y variant (also known as c.497G>A), located in coding exon 3 of the MSH3 gene, results from a G to A substitution at nucleotide position 497. The cysteine at codon 166 is replaced by tyrosine, an amino acid with highly dissimilar properties. This amino acid position is highly conserved in available vertebrate species. In addition, the in silico prediction for this alteration is inconclusive. Since supporting evidence is limited at this time, the clinical significance of this alteration remains unclear.

NM_002439.5(MSH3):c.497G>A (p.Cys166Tyr)

Gene: MSH3 (mutS homolog 3; plus strand). Cytogenetic location: 5q14.1.
Variant type: single nucleotide variant.
Coding change: c.497G>A on transcript NM_002439.5 (MANE Select); coding-DNA position 497, G replaced by A.
Protein change: p.Cys166Tyr; replaces cysteine 166 with tyrosine.
Molecular consequence: missense variant.
Genome position (GRCh38, 1-based): chr5:80,665,281, G>A. VCF-style: chr5-80665281-G-A. GRCh37 (hg19) VCF-style: chr5-79961100-G-A.
Other names: short protein forms C166Y.
Identifiers: ClinVar variation 1744523 (VCV001744523.4), dbSNP rs1296069751, ClinGen allele CA360263922.